The following is an entry in ClinVar:

ClinVar aggregate classification (germline): Benign/Likely benign. Review status: criteria provided, multiple submitters, no conflicts (2 of 4 stars). 5 submissions from 5 submitters: Benign (1); Likely benign (3). 1 of the submissions does not count toward it. Last evaluated 2025-12-02.

Conditions:
TRPS1-related disorder. Also called: TRPS1-related condition.
Inborn genetic diseases. Identifiers: MedGen C0950123, MeSH D030342.
Trichorhinophalangeal dysplasia type I (TRPS1). Also called: TRICHORHINOPHALANGEAL SYNDROME, TYPE I; TRPS I. Identifiers: Orphanet 77258, MedGen C0432233, MONDO:0008596, OMIM 190350.
Trichorhinophalangeal syndrome, type III (TRPS3). Also called: SUGIO-KAJII SYNDROME. Identifiers: Orphanet 77258, MedGen C1860823, OMIM 190351, MONDO:0008597.

Allele frequency attached by ClinVar (database versions not stated): gnomAD 0.00025 and 0.00026; TOPMed 0.00029; ExAC 0.00032; gnomAD exomes 0.00038 and 0.00043.
gnomAD v4.1: 588 of 1,614,104 alleles (0.036%); highest among the groups gnomAD compares: South Asian, 0.093%; no homozygotes.

Submissions (5):

Labcorp Genetics (formerly Invitae), Labcorp
Classification: Likely benign for Trichorhinophalangeal syndrome, type III; Trichorhinophalangeal dysplasia type I. Last evaluated: 2025-12-02. Review status: criteria provided, single submitter. Criteria: Invitae Variant Classification Sherloc (09022015). Collection method: clinical testing. Allele origin: germline.

Blueprint Genetics
Classification: Likely benign. Last evaluated: 2024-10-18. Review status: criteria provided, single submitter. Criteria: ACMG Guidelines, 2015. Collection method: clinical testing. Allele origin: germline.

CeGaT Center for Human Genetics Tuebingen
Classification: Benign. Last evaluated: 2024-01-01. Review status: criteria provided, single submitter. Criteria: CeGaT Center For Human Genetics Tuebingen Variant Classification Criteria Version 2. Collection method: clinical testing. Allele origin: germline. Affected: yes. Observed: 2 variant alleles.
Comment: TRPS1: BS1, BS2

Ambry Genetics
Classification: Likely benign for Inborn genetic diseases. Last evaluated: 2021-09-27. Review status: criteria provided, single submitter. Criteria: Ambry Variant Classification Scheme 2023. Collection method: clinical testing. Allele origin: germline.

PreventionGenetics, part of Exact Sciences
Classification: Likely benign for TRPS1-related condition. Last evaluated: 2019-05-23. Review status: no assertion criteria provided. Collection method: clinical testing. Allele origin: germline. Not counted in ClinVar's aggregate classification.
Comment: This variant is classified as likely benign based on ACMG/AMP sequence variant interpretation guidelines (Richards et al. 2015 PMID: 25741868, with internal and published modifications).

NM_014112.5(TRPS1):c.170A>G (p.Glu57Gly)

Gene: TRPS1 (transcriptional repressor GATA binding 1; minus strand). Cytogenetic location: 8q23.3.
Variant type: single nucleotide variant.
Coding change: c.170A>G on transcript NM_014112.5 (MANE Select); coding-DNA position 170, A replaced by G.
Protein change: p.Glu57Gly; replaces glutamic acid 57 with glycine.
Molecular consequence: missense variant.
Genome position (GRCh38, 1-based): chr8:115,619,928, T>C on the plus strand (A>G on the coding strand, the complement: TRPS1 is on the minus strand). VCF-style: chr8-115619928-T-C. GRCh37 (hg19) VCF-style: chr8-116632155-T-C.
Other names: c.143A>G, p.Glu48Gly (NM_001282902.3); c.149A>G, p.Glu50Gly (NM_001282903.3); c.131A>G, p.Glu44Gly (NM_001330599.2); short protein forms E57G, E50G, E48G, E44G.
Identifiers: ClinVar variation 361633 (VCV000361633.38), dbSNP rs201770819, ClinGen allele CA4852044.